The following is an entry in ClinVar:

ClinVar aggregate classification (germline): Likely benign (1 of 4 stars; one submission).

Conditions:
TRPC5-related disorder. Also called: TRPC5-related condition.

Submission:

PreventionGenetics, part of Exact Sciences
Classification: Likely benign for TRPC5-related condition. Last evaluated: 2024-11-14. Review status: criteria provided, single submitter. Criteria: ACMG Guidelines, 2015. Collection method: clinical testing. Allele origin: germline.
Comment: This variant is classified as likely benign based on ACMG/AMP sequence variant interpretation guidelines (Richards et al. 2015 PMID: 25741868, with internal and published modifications).

NM_012471.3(TRPC5):c.2856G>A (p.Glu952=)

Gene: TRPC5 (transient receptor potential cation channel subfamily C member 5; minus strand). Cytogenetic location: Xq23.
Variant type: single nucleotide variant.
Coding change: c.2856G>A on transcript NM_012471.3 (MANE Select); coding-DNA position 2856, G replaced by A.
Protein change: p.Glu952=; no amino-acid change (glutamic acid 952 retained).
Molecular consequence: synonymous variant.
Genome position (GRCh38, 1-based): chrX:111,776,379, C>T on the plus strand (G>A on the coding strand, the complement: TRPC5 is on the minus strand). VCF-style: chrX-111776379-C-T. GRCh37 (hg19) VCF-style: chrX-111019607-C-T.
Identifiers: ClinVar variation 4999282 (VCV004999282.1).
Genomic context (GRCh38, chrX:111,776,379, plus strand): 5'-GCGAGTTGTAACTTGTTCTTCCTGTCCATCACCCCATTTGTGCATGAGCAAGTCACAAGC[C>T]TCTCCCCAAGTTTCAAATACATCCTCTGAGGAGTCTAAAAGTTTAGAATTTGAGGAGCAG-3'
Protein context (NP_036603.1, residues 942-962): SSEDVFETWG[Glu952=]ACDLLMHKWG